The following is an entry in ClinVar:

ClinVar aggregate classification (germline): Uncertain significance. Review status: criteria provided, multiple submitters, no conflicts (2 of 4 stars). 2 submissions from 2 submitters: Uncertain significance (2). Last evaluated 2026-07-23.

Conditions:
STAT4-related disorder. Also called: STAT4-related condition.

gnomAD v4.1: 2 of 1,609,918 alleles (0.00012%); no homozygotes.

Submissions (2):

PreventionGenetics, part of Exact Sciences
Classification: Uncertain significance for STAT4-related condition. Last evaluated: 2026-07-23. Review status: criteria provided, single submitter. Criteria: ACMG Guidelines, 2015. Collection method: clinical testing. Allele origin: germline.
Comment: The STAT4 c.527A>G variant is predicted to result in the amino acid substitution p.Lys176Arg. To our knowledge, this variant has not been reported in the literature or in a large population database (gnomAD), indicating this variant is rare. At this time, the clinical significance of this variant is uncertain due to the absence of conclusive functional and genetic evidence.

Labcorp Genetics (formerly Invitae), Labcorp
Classification: Uncertain significance. Last evaluated: 2025-06-29. Review status: criteria provided, single submitter. Criteria: Invitae Variant Classification Sherloc (09022015). Collection method: clinical testing. Allele origin: germline.
Comment: This sequence change replaces lysine, which is basic and polar, with arginine, which is basic and polar, at codon 176 of the STAT4 protein (p.Lys176Arg). This variant is not present in population databases (gnomAD no frequency). This variant has not been reported in the literature in individuals affected with STAT4-related conditions. ClinVar contains an entry for this variant (Variation ID: 2960387). Invitae Evidence Modeling of protein sequence and biophysical properties (such as structural, functional, and spatial information, amino acid conservation, physicochemical variation, residue mobility, and thermodynamic stability) indicates that this missense variant is not expected to disrupt STAT4 protein function with a negative predictive value of 80%. In summary, the available evidence is currently insufficient to determine the role of this variant in disease. Therefore, it has been classified as a Variant of Uncertain Significance.

NM_003151.4(STAT4):c.527A>G (p.Lys176Arg)

Gene: STAT4 (signal transducer and activator of transcription 4; minus strand). Cytogenetic location: 2q32.2.
Variant type: single nucleotide variant.
Coding change: c.527A>G on transcript NM_003151.4 (MANE Select); coding-DNA position 527, A replaced by G.
Protein change: p.Lys176Arg; replaces lysine 176 with arginine.
Molecular consequence: missense variant.
Genome position (GRCh38, 1-based): chr2:191,069,710, T>C on the plus strand (A>G on the coding strand, the complement: STAT4 is on the minus strand). VCF-style: chr2-191069710-T-C. GRCh37 (hg19) VCF-style: chr2-191934436-T-C.
Other names: c.527A>G (NM_003151.3); c.527A>G, p.Lys176Arg (NM_001243835.2); short protein forms K176R.
Identifiers: ClinVar variation 2960387 (VCV002960387.4), dbSNP rs1697089982, ClinGen allele CA349918572.